The following is an entry in ClinVar:

ClinVar aggregate classification (germline): Uncertain significance. Review status: criteria provided, multiple submitters, no conflicts (2 of 4 stars). 5 submissions from 5 submitters: Uncertain significance (4). 1 of the submissions does not count toward it. Last evaluated 2025-12-17.

Conditions:
MYO7A-related disorder. Also called: MYO7A-related disorders.
Meniere disease. Also called: Ménière's disease. Identifiers: MedGen C0025281, MONDO:0007972, OMIM 156000.
Usher syndrome type 1B (USH1B). Also called: Usher syndrome type IB. Identifiers: MedGen C1848638, MONDO:0700087.

Allele frequency attached by ClinVar (database versions not stated): gnomAD exomes below 0.00001 and 0.00002; TOPMed 0.00001; gnomAD 0.00002; ExAC below 0.00001.
gnomAD v4.1: 24 of 1,583,216 alleles (0.0015%); highest among the groups gnomAD compares: Admixed American, 0.0091%; no homozygotes.

Submissions (5):

PreventionGenetics, part of Exact Sciences
Classification: Uncertain significance for MYO7A-related condition. Last evaluated: 2025-12-17. Review status: criteria provided, single submitter. Criteria: ACMG Guidelines, 2015. Collection method: clinical testing. Allele origin: germline.
Comment: The MYO7A c.6626G>A variant is predicted to result in the amino acid substitution p.Arg2209Gln. This variant was reported in heterozygous state in two individuals from single family affected with Meniere's disease (family 8, Roman-Naranjo et al. 2021. PubMed ID: 34391192). This variant is reported in 0.0011% of alleles in individuals of European (Non-Finnish) descent in gnomAD. At this time, the clinical significance of this variant is uncertain due to the absence of conclusive functional and genetic evidence.

Blueprint Genetics
Classification: Uncertain significance. Last evaluated: 2022-07-12. Review status: criteria provided, single submitter. Criteria: ACMG Guidelines, 2015. Collection method: clinical testing. Allele origin: germline.

Labcorp Genetics (formerly Invitae), Labcorp
Classification: Uncertain significance. Last evaluated: 2022-04-20. Review status: criteria provided, single submitter. Criteria: Invitae Variant Classification Sherloc (09022015). Collection method: clinical testing. Allele origin: germline.
Comment: This sequence change replaces arginine, which is basic and polar, with glutamine, which is neutral and polar, at codon 2209 of the MYO7A protein (p.Arg2209Gln). This variant is not present in population databases (gnomAD no frequency). This variant has not been reported in the literature in individuals affected with MYO7A-related conditions. ClinVar contains an entry for this variant (Variation ID: 957508). Advanced modeling of protein sequence and biophysical properties (such as structural, functional, and spatial information, amino acid conservation, physicochemical variation, residue mobility, and thermodynamic stability) performed at Invitae indicates that this missense variant is not expected to disrupt MYO7A protein function. In summary, the available evidence is currently insufficient to determine the role of this variant in disease. Therefore, it has been classified as a Variant of Uncertain Significance.

Otology & Neurotology- Genomics of vestibular disorders (CTS-495), Jose Antonio López Escámez, Centro Pfizer - Universidad de Granada - Junta de Andalucía de Genómica e Investigación Oncológica (GENYO)
Classification: Uncertain significance for Meniere disease. Last evaluated: 2020-12-14. Review status: criteria provided, single submitter. Criteria: ACMG Guidelines, 2015. Collection method: case-control. Allele origin: germline. Affected: yes. Observed: 1 heterozygote.

Natera, Inc.
Classification: Uncertain significance for Usher syndrome type 1B. Last evaluated: 2020-02-10. Review status: no assertion criteria provided. Collection method: clinical testing. Allele origin: germline. Not counted in ClinVar's aggregate classification.

NM_000260.4(MYO7A):c.6626G>A (p.Arg2209Gln)

Gene: MYO7A (myosin VIIA; plus strand). Cytogenetic location: 11q13.5.
Variant type: single nucleotide variant.
Coding change: c.6626G>A on transcript NM_000260.4 (MANE Select); coding-DNA position 6626, G replaced by A.
Protein change: p.Arg2209Gln; replaces arginine 2209 with glutamine.
Molecular consequence: missense variant.
Genome position (GRCh38, 1-based): chr11:77,214,674, G>A. VCF-style: chr11-77214674-G-A. GRCh37 (hg19) VCF-style: chr11-76925719-G-A.
Other names: c.6506G>A, p.Arg2169Gln (NM_001127180.2); c.6479G>A, p.Arg2160Gln (NM_001369365.1); short protein forms R2160Q, R2169Q, R2209Q.
Identifiers: ClinVar variation 957508 (VCV000957508.9), dbSNP rs776881443, ClinGen allele CA6199138.